The following is an entry in ClinVar:

ClinVar aggregate classification (germline): Uncertain significance. Review status: criteria provided, multiple submitters, no conflicts (2 of 4 stars). 2 submissions from 2 submitters: Uncertain significance (2). Last evaluated 2023-06-04.

Conditions:
Inborn genetic diseases. Identifiers: MedGen C0950123, MeSH D030342.
Autosomal recessive spastic paraplegia type 78. Identifiers: Orphanet 513436, MedGen C5567893, MONDO:0014975, OMIM 617225.
Kufor-Rakeb syndrome (KRS). Also called: PARKINSON DISEASE 9, AUTOSOMAL RECESSIVE, JUVENILE-ONSET. Identifiers: Orphanet 306674, Orphanet 314632, MedGen C1847640, MONDO:0011706, OMIM 606693.

Allele frequency attached by ClinVar (database versions not stated): gnomAD 0.00002; ExAC 0.00003; gnomAD exomes 0.00003; TOPMed 0.00004.
gnomAD v4.1: 49 of 1,611,882 alleles (0.003%); highest among the groups gnomAD compares: Admixed American, 0.0067%; no homozygotes.

Submissions (2):

Labcorp Genetics (formerly Invitae), Labcorp
Classification: Uncertain significance for Kufor-Rakeb syndrome; Autosomal recessive spastic paraplegia type 78. Last evaluated: 2023-06-04. Review status: criteria provided, single submitter. Criteria: Invitae Variant Classification Sherloc (09022015). Collection method: clinical testing. Allele origin: germline.
Comment: In summary, the available evidence is currently insufficient to determine the role of this variant in disease. Therefore, it has been classified as a Variant of Uncertain Significance. Advanced modeling of protein sequence and biophysical properties (such as structural, functional, and spatial information, amino acid conservation, physicochemical variation, residue mobility, and thermodynamic stability) performed at Invitae indicates that this missense variant is not expected to disrupt ATP13A2 protein function. ClinVar contains an entry for this variant (Variation ID: 1479114). This variant has not been reported in the literature in individuals affected with ATP13A2-related conditions. This variant is present in population databases (rs748309608, gnomAD 0.004%). This sequence change replaces arginine, which is basic and polar, with cysteine, which is neutral and slightly polar, at codon 397 of the ATP13A2 protein (p.Arg397Cys).

Ambry Genetics
Classification: Uncertain significance for Inborn genetic diseases. Last evaluated: 2017-06-28. Review status: criteria provided, single submitter. Criteria: Ambry Variant Classification Scheme 2023. Collection method: clinical testing. Allele origin: germline.
Comment: The p.R397C variant (also known as c.1189C>T), located in coding exon 12 of the ATP13A2 gene, results from a C to T substitution at nucleotide position 1189. The arginine at codon 397 is replaced by cysteine, an amino acid with highly dissimilar properties. This amino acid position is not well conserved in available vertebrate species, and cysteine is the reference amino acid in other vertebrate species. In addition, the in silico prediction for this alteration is inconclusive. Since supporting evidence is limited at this time, the clinical significance of this alteration remains unclear.

NM_022089.4(ATP13A2):c.1189C>T (p.Arg397Cys)

Gene: ATP13A2 (ATPase cation transporting 13A2; minus strand). Cytogenetic location: 1p36.13.
Variant type: single nucleotide variant.
Coding change: c.1189C>T on transcript NM_022089.4 (MANE Select); coding-DNA position 1189, C replaced by T.
Protein change: p.Arg397Cys; replaces arginine 397 with cysteine.
Molecular consequence: missense variant.
Genome position (GRCh38, 1-based): chr1:16,997,026, G>A on the plus strand (C>T on the coding strand, the complement: ATP13A2 is on the minus strand). VCF-style: chr1-16997026-G-A. GRCh37 (hg19) VCF-style: chr1-17323521-G-A.
Other names: c.1174C>T, p.Arg392Cys (NM_001141973.3, NM_001141974.3); short protein forms R397C, R392C.
Identifiers: ClinVar variation 1479114 (VCV001479114.9), dbSNP rs748309608, ClinGen allele CA637340.